The following is an entry in ClinVar:

ClinVar aggregate classification (germline): Conflicting classifications of pathogenicity. Review status: criteria provided, conflicting classifications (1 of 4 stars). 3 submissions from 3 submitters: Uncertain significance (2); Likely benign (1). Last evaluated 2026-02-10.

Conditions:
Alagille syndrome due to a NOTCH2 point mutation. Also called: Alagille syndrome 2. Identifiers: Orphanet 261629, Orphanet 52, MedGen C1857761, MONDO:0012439, OMIM 610205.
Hajdu-Cheney syndrome (HJCYS). Also called: SERPENTINE FIBULA-POLYCYSTIC KIDNEY SYNDROME; ACROOSTEOLYSIS WITH OSTEOPOROSIS AND CHANGES IN SKULL AND MANDIBLE; Acroosteolysis dominant type. Identifiers: Orphanet 955, MedGen C0917715, MONDO:0007057, OMIM 102500.

Allele frequency attached by ClinVar (database versions not stated): TOPMed 0.00001; ExAC 0.00001; gnomAD 0.00002.
gnomAD v4.1: 19 of 1,613,618 alleles (0.0012%); highest among the groups gnomAD compares: Non-Finnish European, 0.0014%; no homozygotes.

Submissions (3):

Centre for Medical Genetics,  Mumbai
Classification: Likely benign for Alagille syndrome due to a NOTCH2 point mutation. Last evaluated: 2026-02-10. Review status: criteria provided, single submitter. Criteria: ACMG Guidelines, 2015. Collection method: provider interpretation. Allele origin: germline. Inheritance: Autosomal dominant inheritance. Affected: no. Observed: 1 heterozygote.
Comment: The variant satisfies PM2 criteria; extremely low frequency in gnomAD population databases. The variant satisfies PP2 criteria; Missense variant in a gene with low rate of benign missense mutations and for which missense mutation is a common mechanism of a disease. The variant satisfies PP3 criteria; For a missense or a splicing region variant, computational prediction tools unanimously support a deleterious effect on the gene. However, the variant satisfies the BS2 criteria.

Department of Human Genetics, Hannover Medical School
Classification: Uncertain significance for Hajdu-Cheney syndrome. Last evaluated: 2025-01-17. Review status: criteria provided, single submitter. Criteria: ACMG Guidelines, 2015. Collection method: clinical testing. Allele origin: germline. Affected: yes.
Comment: ACMG: PP2, PP3_Moderate

Labcorp Genetics (formerly Invitae), Labcorp
Classification: Uncertain significance for Hajdu-Cheney syndrome. Last evaluated: 2024-12-30. Review status: criteria provided, single submitter. Criteria: Invitae Variant Classification Sherloc (09022015). Collection method: clinical testing. Allele origin: germline.
Comment: This sequence change replaces arginine, which is basic and polar, with cysteine, which is neutral and slightly polar, at codon 515 of the NOTCH2 protein (p.Arg515Cys). This variant is present in population databases (rs782444829, gnomAD 0.003%). This variant has not been reported in the literature in individuals affected with NOTCH2-related conditions. ClinVar contains an entry for this variant (Variation ID: 2781449). Invitae Evidence Modeling of protein sequence and biophysical properties (such as structural, functional, and spatial information, amino acid conservation, physicochemical variation, residue mobility, and thermodynamic stability) indicates that this missense variant is not expected to disrupt NOTCH2 protein function with a negative predictive value of 80%. In summary, the available evidence is currently insufficient to determine the role of this variant in disease. Therefore, it has been classified as a Variant of Uncertain Significance.

Literature cited by the submitters: PubMed 16773578 (cited by Centre for Medical Genetics,  Mumbai).

NM_024408.4(NOTCH2):c.1543C>T (p.Arg515Cys)

Gene: NOTCH2 (notch receptor 2; minus strand). Cytogenetic location: 1p12.
Variant type: single nucleotide variant.
Coding change: c.1543C>T on transcript NM_024408.4 (MANE Select); coding-DNA position 1543, C replaced by T.
Protein change: p.Arg515Cys; replaces arginine 515 with cysteine.
Molecular consequence: missense variant.
Genome position (GRCh38, 1-based): chr1:119,966,400, G>A on the plus strand (C>T on the coding strand, the complement: NOTCH2 is on the minus strand). VCF-style: chr1-119966400-G-A. GRCh37 (hg19) VCF-style: chr1-120509023-G-A.
Other names: c.1543C>T, p.Arg515Cys (NM_001200001.2); short protein forms R515C.
Identifiers: ClinVar variation 2781449 (VCV002781449.4), dbSNP rs782444829, ClinGen allele CA1040531.